The following is an entry in ClinVar:

ClinVar aggregate classification (germline): Uncertain significance. Review status: criteria provided, single submitter (1 of 4 stars). 2 submissions from 2 submitters: Uncertain significance (1). 1 of the submissions does not count toward it. Last evaluated 2018-01-12.

Conditions:
Mitochondrial DNA depletion syndrome 3 (hepatocerebral type). Also called: Mitochondrial DNA depletion syndrome, hepatocerebral form due to DGUOK deficiency; MITOCHONDRIAL DNA DEPLETION SYNDROME 3; Deoxyguanosine Kinase Deficiency. Identifiers: Orphanet 279934, MedGen CN074093, MONDO:0009636, OMIM 251880.
DGUOK-related disorder. Also called: DGUOK-related condition.

Allele frequency attached by ClinVar (database versions not stated): ExAC 0.00007; gnomAD exomes 0.00008 and 0.00013; gnomAD 0.00009 and 0.00010; TOPMed 0.00010; ESP Exome Variant Server 0.00015.
gnomAD v4.1: 202 of 1,613,194 alleles (0.013%); highest among the groups gnomAD compares: Non-Finnish European, 0.016%; no homozygotes.

Submissions (2):

Illumina Laboratory Services, Illumina
Classification: Uncertain significance for Mitochondrial DNA depletion syndrome 3 (hepatocerebral type). Last evaluated: 2018-01-12. Review status: criteria provided, single submitter. Criteria: ICSL Variant Classification Criteria 13 December 2019. Collection method: clinical testing. Allele origin: germline.

PreventionGenetics, part of Exact Sciences
Classification: Likely benign for DGUOK-related condition. Last evaluated: 2021-08-09. Review status: no assertion criteria provided. Collection method: clinical testing. Allele origin: germline. Not counted in ClinVar's aggregate classification.
Comment: This variant is classified as likely benign based on ACMG/AMP sequence variant interpretation guidelines (Richards et al. 2015 PMID: 25741868, with internal and published modifications).

NM_080916.3(DGUOK):c.-8T>C

Gene: DGUOK (deoxyguanosine kinase; plus strand). Cytogenetic location: 2p13.1.
Variant type: single nucleotide variant.
Coding change: c.-8T>C on transcript NM_080916.3 (MANE Select); 8 bases upstream of the start codon, T replaced by C.
Molecular consequence: 5 prime UTR variant. On other transcripts: non-coding transcript variant (6).
Genome position (GRCh38, 1-based): chr2:73,926,903, T>C. VCF-style: chr2-73926903-T-C. GRCh37 (hg19) VCF-style: chr2-74154030-T-C.
Other names: c.-8T>C (NM_001318859.2, NM_080918.3); c.-186T>C (NM_001318860.2, NM_001318863.2); c.-272T>C (NM_001318861.2, NM_001318862.2).
Identifiers: ClinVar variation 337043 (VCV000337043.7), dbSNP rs369681767, ClinGen allele CA1718113.